The following is an entry in ClinVar:

NC_012920.1(MT-ND3):m.10401G>A

Gene: MT-ND3 (mitochondrially encoded NADH dehydrogenase 3; plus strand).
Variant type: single nucleotide variant.
Genome position: chrM-10401-G-A.
Identifiers: ClinVar variation 693290 (VCV000693290.1), dbSNP rs28719882, ClinGen allele CA337098828.

ClinVar aggregate classification (germline): Uncertain significance (1 of 4 stars; one submission).

Conditions:
Leigh syndrome (NULS). Also called: Leigh's necrotizing encephalopathy; Leigh's disease; Leigh Syndrome (mtDNA deletion); Leigh Disease; Subacute necrotizing encephalopathy; Necrotizing encephalopathy infantile subacute of Leigh. Identifiers: Orphanet 506, MedGen C2931891, MONDO:0009723, OMIM 256000.

Submission:

Wong Mito Lab, Molecular and Human Genetics, Baylor College of Medicine
Classification: Uncertain significance for Leigh syndrome. Last evaluated: 2019-10-17. Review status: criteria provided, single submitter. Criteria: Modified ACMG Guidelines (Unpublished). Collection method: clinical testing. Allele origin: germline.
Comment: The NC_012920.1:m.10401G>A (YP_003024033.1:p.Glu115Lys) variant in MTND3 gene is interpretated to be a Uncertain Significance variant based on the modified ACMG guidelines (unpublished). This variant meets the following evidence codes: PP6, BP5